The following is an entry in ClinVar:

NM_000051.4(ATM):c.9135C>T (p.Leu3045=)

Genes: ATM (ATM serine/threonine kinase; plus strand), C11orf65 (chromosome 11 open reading frame 65; minus strand). Cytogenetic location: 11q22.3.
Variant type: single nucleotide variant.
Coding change: c.9135C>T on transcript NM_000051.4 (MANE Select); coding-DNA position 9135, C replaced by T.
Protein change: p.Leu3045=; no amino-acid change (leucine 3045 retained).
Molecular consequence: synonymous variant. On other transcripts: intron variant (2).
Genome position (GRCh38, 1-based): chr11:108,365,472, C>T. VCF-style: chr11-108365472-C-T. GRCh37 (hg19) VCF-style: chr11-108236199-C-T.
Other names: c.9135C>T, p.Leu3045= (NM_001351834.2); c.640+20448G>A (NM_001330368.2); c.694+20448G>A (NM_001351110.2).
Identifiers: ClinVar variation 1132054 (VCV001132054.38), dbSNP rs2137926498, ClinGen allele CA476745288.

ClinVar aggregate classification (germline): Benign/Likely benign. Review status: criteria provided, multiple submitters, no conflicts (2 of 4 stars). 5 submissions from 5 submitters: Benign (1); Likely benign (4). Last evaluated 2026-05-01.

Conditions:
Familial cancer of breast. Also called: Hereditary breast cancer; hereditary breast carcinoma; BREAST CANCER, FAMILIAL. Identifiers: Orphanet 227535, MedGen C0346153, MONDO:0016419, OMIM 114480. Disease mechanism: loss of function.
Hereditary cancer-predisposing syndrome. Also called: Neoplastic Syndromes, Hereditary; Tumor predisposition; Hereditary Cancer Syndrome; Hereditary neoplastic syndrome. Identifiers: Orphanet 140162, MedGen C0027672, MeSH D009386, MONDO:0015356.
Ataxia-telangiectasia syndrome (AT). Also called: Ataxia telangiectasia (A-T); ATAXIA-TELANGIECTASIA, COMPLEMENTATION GROUP A; ATAXIA-TELANGIECTASIA, FRESNO VARIANT; Ataxia-telangiectasia; Ataxia-telangiectasia, complementation group E; LOUIS-BAR SYNDROME. Identifiers: Orphanet 100, MedGen C0004135, MONDO:0008840, OMIM 208900.

Submissions (5):

CeGaT Center for Human Genetics Tuebingen
Classification: Likely benign. Last evaluated: 2026-05-01. Review status: criteria provided, single submitter. Criteria: CeGaT Center For Human Genetics Tuebingen Variant Classification Criteria Version 2. Collection method: clinical testing. Allele origin: germline. Affected: yes. Observed: 2 variant alleles.
Comment: ATM: PM2:Supporting, BP4, BP7

Labcorp Genetics (formerly Invitae), Labcorp
Classification: Likely benign for Ataxia-telangiectasia syndrome. Last evaluated: 2025-08-30. Review status: criteria provided, single submitter. Criteria: Invitae Variant Classification Sherloc (09022015). Collection method: clinical testing. Allele origin: germline.

Center for Genomic Medicine, Rigshospitalet, Copenhagen University Hospital
Classification: Likely benign. Last evaluated: 2025-03-04. Review status: criteria provided, single submitter. Criteria: ACMG Guidelines, 2015. Collection method: clinical testing. Allele origin: germline.

Myriad Genetics, Inc.
Classification: Benign for Familial cancer of breast. Last evaluated: 2024-06-25. Review status: criteria provided, single submitter. Criteria: Myriad Autosomal Dominant, Autosomal Recessive and X-Linked Classification Criteria (2023). Collection method: clinical testing. Allele origin: unknown.
Comment: This variant is considered benign. This variant is a silent/synonymous amino acid change and it is not expected to impact splicing.

Ambry Genetics
Classification: Likely benign for Hereditary cancer-predisposing syndrome. Last evaluated: 2021-03-24. Review status: criteria provided, single submitter. Criteria: Ambry Variant Classification Scheme 2023. Collection method: clinical testing. Allele origin: germline.